The following is an entry in ClinVar:

ClinVar aggregate classification (germline): Likely benign. Review status: criteria provided, multiple submitters, no conflicts (2 of 4 stars). 3 submissions from 3 submitters: Likely benign (3). Last evaluated 2026-04-01.

Conditions:
Inborn genetic diseases. Identifiers: MedGen C0950123, MeSH D030342.

Allele frequency attached by ClinVar (database versions not stated): TOPMed 0.00024; gnomAD 0.00028 and 0.00030; gnomAD exomes 0.00030; ExAC 0.00034.
gnomAD v4.1: 578 of 1,614,008 alleles (0.036%); highest among the groups gnomAD compares: Non-Finnish European, 0.047%; 1 homozygote.

Submissions (3):

CeGaT Center for Human Genetics Tuebingen
Classification: Likely benign. Last evaluated: 2026-04-01. Review status: criteria provided, single submitter. Criteria: CeGaT Center For Human Genetics Tuebingen Variant Classification Criteria Version 2. Collection method: clinical testing. Allele origin: germline. Affected: yes. Observed: 5 variant alleles.
Comment: TBR1: BP4, BP7

Blueprint Genetics
Classification: Likely benign. Last evaluated: 2024-11-14. Review status: criteria provided, single submitter. Criteria: ACMG Guidelines, 2015. Collection method: clinical testing. Allele origin: germline.

Ambry Genetics
Classification: Likely benign for Inborn genetic diseases. Last evaluated: 2016-04-07. Review status: criteria provided, single submitter. Criteria: Ambry Variant Classification Scheme 2023. Collection method: clinical testing. Allele origin: germline.

NM_006593.4(TBR1):c.1125G>A (p.Thr375=)

Gene: TBR1 (T-box brain transcription factor 1; plus strand). Cytogenetic location: 2q24.2.
Variant type: single nucleotide variant.
Coding change: c.1125G>A on transcript NM_006593.4 (MANE Select); coding-DNA position 1125, G replaced by A.
Protein change: p.Thr375=; no amino-acid change (threonine 375 retained).
Molecular consequence: synonymous variant.
Genome position (GRCh38, 1-based): chr2:161,419,047, G>A. VCF-style: chr2-161419047-G-A. GRCh37 (hg19) VCF-style: chr2-162275558-G-A.
Identifiers: ClinVar variation 589253 (VCV000589253.32), dbSNP rs199651195, ClinGen allele CA1930888.